The following is an entry in ClinVar:

NM_022051.3(EGLN1):c.254C>G (p.Pro85Arg)

Gene: EGLN1 (egl-9 family hypoxia inducible factor 1; minus strand). Cytogenetic location: 1q42.2.
Variant type: single nucleotide variant.
Coding change: c.254C>G on transcript NM_022051.3 (MANE Select); coding-DNA position 254, C replaced by G.
Protein change: p.Pro85Arg; replaces proline 85 with arginine.
Molecular consequence: missense variant.
Genome position (GRCh38, 1-based): chr1:231,421,635, G>C on the plus strand (C>G on the coding strand, the complement: EGLN1 is on the minus strand). VCF-style: chr1-231421635-G-C. GRCh37 (hg19) VCF-style: chr1-231557381-G-C.
Other names: c.254C>G, p.Pro85Arg (NM_001377260.1, NM_001377261.1); short protein forms P85R.
Identifiers: ClinVar variation 2450382 (VCV002450382.2), dbSNP rs1008153153, ClinGen allele CA345238258.

ClinVar aggregate classification (germline): Uncertain significance (1 of 4 stars; one submission).

Submission:

Ambry Genetics
Classification: Uncertain significance. Last evaluated: 2023-01-23. Review status: criteria provided, single submitter. Criteria: Ambry Variant Classification Scheme 2023. Collection method: clinical testing. Allele origin: germline.
Comment: The p.P85R variant (also known as c.254C>G), located in coding exon 1 of the EGLN1 gene, results from a C to G substitution at nucleotide position 254. The proline at codon 85 is replaced by arginine, an amino acid with dissimilar properties. This amino acid position is conserved. In addition, this alteration is predicted to be tolerated by in silico analysis. Since supporting evidence is limited at this time, the clinical significance of this alteration remains unclear.